The following is an entry in ClinVar:

ClinVar aggregate classification (germline): Uncertain significance. Review status: criteria provided, multiple submitters, no conflicts (2 of 4 stars). 3 submissions from 3 submitters: Uncertain significance (3). Last evaluated 2026-05-11.

Conditions:
MYO15A-related disorder. Also called: MYO15A-related condition.
Inborn genetic diseases. Identifiers: MedGen C0950123, MeSH D030342.

Allele frequency attached by ClinVar (database versions not stated): ExAC 0.00005; gnomAD 0.00005; TOPMed 0.00007; ESP Exome Variant Server 0.00016.

Submissions (3):

PreventionGenetics, part of Exact Sciences
Classification: Uncertain significance for MYO15A-related condition. Last evaluated: 2026-05-11. Review status: criteria provided, single submitter. Criteria: ACMG Guidelines, 2015. Collection method: clinical testing. Allele origin: germline.
Comment: The MYO15A c.7772G>A variant is predicted to result in the amino acid substitution p.Arg2591Gln. To our knowledge, this variant has not been reported in the literature. This variant is reported in 0.013% of alleles in individuals of European (Non-Finnish) descent in gnomAD. At this time, the clinical significance of this variant is uncertain due to the absence of conclusive functional and genetic evidence.

Labcorp Genetics (formerly Invitae), Labcorp
Classification: Uncertain significance. Last evaluated: 2024-04-29. Review status: criteria provided, single submitter. Criteria: Invitae Variant Classification Sherloc (09022015). Collection method: clinical testing. Allele origin: germline.
Comment: This sequence change replaces arginine, which is basic and polar, with glutamine, which is neutral and polar, at codon 2591 of the MYO15A protein (p.Arg2591Gln). This variant is present in population databases (rs202073263, gnomAD 0.01%). This variant has not been reported in the literature in individuals affected with MYO15A-related conditions. ClinVar contains an entry for this variant (Variation ID: 2170762). Advanced modeling of protein sequence and biophysical properties (such as structural, functional, and spatial information, amino acid conservation, physicochemical variation, residue mobility, and thermodynamic stability) performed at Invitae indicates that this missense variant is not expected to disrupt MYO15A protein function with a negative predictive value of 95%. In summary, the available evidence is currently insufficient to determine the role of this variant in disease. Therefore, it has been classified as a Variant of Uncertain Significance.

Ambry Genetics
Classification: Uncertain significance for Inborn genetic diseases. Last evaluated: 2024-01-23. Review status: criteria provided, single submitter. Criteria: Ambry Variant Classification Scheme 2023. Collection method: clinical testing. Allele origin: germline.

NM_016239.4(MYO15A):c.7772G>A (p.Arg2591Gln)

Gene: MYO15A (myosin XVA; plus strand). Cytogenetic location: 17p11.2.
Variant type: single nucleotide variant.
Coding change: c.7772G>A on transcript NM_016239.4 (MANE Select); coding-DNA position 7772, G replaced by A.
Protein change: p.Arg2591Gln; replaces arginine 2591 with glutamine.
Molecular consequence: missense variant.
Genome position (GRCh38, 1-based): chr17:18,151,512, G>A. VCF-style: chr17-18151512-G-A. GRCh37 (hg19) VCF-style: chr17-18054826-G-A.
Other names: c.7772G>A (NM_016239.3); short protein forms R2591Q.
Identifiers: ClinVar variation 2170762 (VCV002170762.4), dbSNP rs202073263, ClinGen allele CA8424938.